The following is an entry in ClinVar:

ClinVar aggregate classification (germline): Uncertain significance (1 of 4 stars; one submission).

Conditions:
Cystinuria (CSNU). Also called: Cystinuria, non-type I; CYSTINURIA, TYPE I; CYSTINURIA, TYPE II; CYSTINURIA, TYPE III. Identifiers: Orphanet 214, MedGen C0010691, MONDO:0009067, OMIM 220100, HP:0003131.

Submission:

Labcorp Genetics (formerly Invitae), Labcorp
Classification: Uncertain significance for Cystinuria. Last evaluated: 2022-11-16. Review status: criteria provided, single submitter. Criteria: Invitae Variant Classification Sherloc (09022015). Collection method: clinical testing. Allele origin: germline.
Comment: This variant is not present in population databases (gnomAD no frequency). This sequence change replaces methionine, which is neutral and non-polar, with threonine, which is neutral and polar, at codon 123 of the SLC3A1 protein (p.Met123Thr). This variant has not been reported in the literature in individuals affected with SLC3A1-related conditions. In summary, the available evidence is currently insufficient to determine the role of this variant in disease. Therefore, it has been classified as a Variant of Uncertain Significance. Advanced modeling of protein sequence and biophysical properties (such as structural, functional, and spatial information, amino acid conservation, physicochemical variation, residue mobility, and thermodynamic stability) has been performed at Invitae for this missense variant, however the output from this modeling did not meet the statistical confidence thresholds required to predict the impact of this variant on SLC3A1 protein function.

NM_000341.4(SLC3A1):c.368T>C (p.Met123Thr)

Gene: SLC3A1 (solute carrier family 3 member 1; plus strand). Cytogenetic location: 2p21.
Variant type: single nucleotide variant.
Coding change: c.368T>C on transcript NM_000341.4 (MANE Select); coding-DNA position 368, T replaced by C.
Protein change: p.Met123Thr; replaces methionine 123 with threonine.
Molecular consequence: missense variant.
Genome position (GRCh38, 1-based): chr2:44,275,903, T>C. VCF-style: chr2-44275903-T-C. GRCh37 (hg19) VCF-style: chr2-44503042-T-C.
Other names: short protein forms M123T.
Identifiers: ClinVar variation 2814665 (VCV002814665.3), dbSNP rs1269139353, ClinGen allele CA346686535.